The following is an entry in ClinVar:

NM_000301.5(PLG):c.185+6del

Gene: PLG (plasminogen; plus strand). Cytogenetic location: 6q26.
Variant type: Deletion.
Coding change: c.185+6del on transcript NM_000301.5 (MANE Select); 6 bases into the intron after coding-DNA position 185, one base deleted (T; older notation c.185+6delT).
Molecular consequence: intron variant.
Genome position (GRCh38, 1-based): chr6:160,706,548, T deleted; the last of 3 consecutive T bases (chr6:160,706,546-160,706,548); deleting any one gives the same sequence. VCF-style (leftmost placement, unchanged base first): chr6-160706545-AT-A. GRCh37 (hg19) VCF-style: chr6-161127577-AT-A.
Other names: c.185+6del (NM_001168338.1).
Identifiers: ClinVar variation 1992506 (VCV001992506.4), dbSNP rs2484311143, ClinGen allele CA2580075301.

ClinVar aggregate classification (germline): Uncertain significance (1 of 4 stars; one submission).

Submission:

Labcorp Genetics (formerly Invitae), Labcorp
Classification: Uncertain significance. Last evaluated: 2022-05-09. Review status: criteria provided, single submitter. Criteria: Invitae Variant Classification Sherloc (09022015). Collection method: clinical testing. Allele origin: germline.
Comment: In summary, the available evidence is currently insufficient to determine the role of this variant in disease. Therefore, it has been classified as a Variant of Uncertain Significance. Variants that disrupt the consensus splice site are a relatively common cause of aberrant splicing (PMID: 17576681, 9536098). Algorithms developed to predict the effect of sequence changes on RNA splicing suggest that this variant is not likely to affect RNA splicing. This variant has not been reported in the literature in individuals affected with PLG-related conditions. This variant is not present in population databases (gnomAD no frequency). This sequence change falls in intron 2 of the PLG gene. It does not directly change the encoded amino acid sequence of the PLG protein. It affects a nucleotide within the consensus splice site.

Literature cited by the submitters: PubMed 17576681; PubMed 9536098.